The following is an entry in ClinVar:

ClinVar aggregate classification (germline): Uncertain significance (1 of 4 stars; one submission).

gnomAD v4.1: 1 of 1,613,794 alleles (0.000062%); highest among the groups gnomAD compares: Middle Eastern, 0.017%; no homozygotes.

Submission:

GeneDx
Classification: Uncertain significance. Last evaluated: 2024-02-09. Review status: criteria provided, single submitter. Criteria: GeneDx Variant Classification Process June 2021. Collection method: clinical testing. Allele origin: germline. Affected: yes.
Comment: In silico analysis supports that this missense variant has a deleterious effect on protein structure/function; Missense variants in this gene are a common cause of disease and they are underrepresented in the general population; Has not been previously published as pathogenic or benign to our knowledge; This variant is associated with the following publications: (PMID: 29493581)

NM_005633.4(SOS1):c.845G>A (p.Cys282Tyr)

Gene: SOS1 (SOS Ras/Rac guanine nucleotide exchange factor 1; minus strand). Cytogenetic location: 2p22.1.
Variant type: single nucleotide variant.
Coding change: c.845G>A on transcript NM_005633.4 (MANE Select); coding-DNA position 845, G replaced by A.
Protein change: p.Cys282Tyr; replaces cysteine 282 with tyrosine.
Molecular consequence: missense variant.
Genome position (GRCh38, 1-based): chr2:39,051,163, C>T on the plus strand (G>A on the coding strand, the complement: SOS1 is on the minus strand). VCF-style: chr2-39051163-C-T. GRCh37 (hg19) VCF-style: chr2-39278304-C-T.
Other names: c.824G>A, p.Cys275Tyr (NM_001382394.1); c.845G>A, p.Cys282Tyr (NM_001382395.1); short protein forms C275Y, C282Y.
Identifiers: ClinVar variation 3368830 (VCV003368830.1).